The following is an entry in ClinVar:

ClinVar aggregate classification (germline): Likely pathogenic; drug response. Review status: reviewed by expert panel (3 of 4 stars). 15 submissions from 9 submitters: Likely pathogenic (1). 7 of the submissions do not count toward it. Last evaluated 2025-08-01.

Conditions:
Inborn errors of metabolism. Also called: Inborn error of metabolism. Identifiers: Orphanet 68367, MedGen C0025521, MONDO:0019052.
RYR1-related disorder. Also called: RYR1-related disorders; RYR1-related condition. Identifiers: MedGen CN239331.
Central core myopathy (CMYO1A). Also called: CONGENITAL MYOPATHY 1A, AUTOSOMAL DOMINANT, WITH SUSCEPTIBILITY TO MALIGNANT HYPERTHERMIA; Central core disease; Myopathy, central fibrillar. Identifiers: Orphanet 597, MedGen C5830701, MONDO:0007294, OMIM 117000.
Malignant hyperthermia, susceptibility to, 1 (MHS1). Also called: Malignant hyperthermia suceptibility 1; Anesthesia related hyperthermia; Malignant hyperpyrexia; Fulminating hyperpyrexia; Pharmacogenic myopathy; RYR1-Related Malignant Hyperthermia Susceptibility. Identifiers: Orphanet 423, MedGen C2930980, MONDO:0007783, OMIM 145600.
desflurane response - Toxicity.
succinylcholine response - Toxicity.
sevoflurane response - Toxicity.
methoxyflurane response - Toxicity.
isoflurane response - Toxicity.
halothane response - Toxicity.
enflurane response - Toxicity.

Allele frequency attached by ClinVar (database versions not stated): gnomAD exomes below 0.00001.
gnomAD v4.1: 4 of 1,614,096 alleles (0.00025%); highest among the groups gnomAD compares: South Asian, 0.0022%; no homozygotes.

Submissions (15):

ClinGen Malignant Hyperthermia Susceptibility Variant Curation Expert Panel, ClinGen
Classification: Likely pathogenic for Malignant hyperthermia, susceptibility to, 1. Last evaluated: 2025-08-01. Review status: reviewed by expert panel. Criteria: RYR1-MHS Interpretation Guidelines V2. Collection method: curation. Allele origin: germline. Inheritance: Autosomal dominant inheritance.
Comment: This pathogenicity assessment is relevant only for malignant hyperthermia susceptibility (MHS) inherited in an autosomal dominant pattern. Variants in RYR1 can also cause other myopathies inherited in an autosomal dominant pattern or in an autosomal recessive pattern. Some of these disorders may predispose individuals to malignant hyperthermia. RYR1 variants may also contribute to a malignant hyperthermia reaction in combination with other genetic and non-genetic factors and the clinician needs to consider such factors in making management decisions. This sequence variant predicts a substitution of Arginine with Tryptophan at codon 552 of the RYR1 protein, p.(Arg552Trp). The maximum allele frequency for this variant among the six major gnomAD populations is AMR: 0.00003, a frequency consistent with pathogenicity for MHS. This variant has been reported in 6 unrelated individuals who have a personal or family history of a malignant hyperthermia reaction, 5 of these individuals had a positive in vitro contracture test (IVCT) or caffeine halothane contracture test (CHCT) result (if the proband was unavailable for testing, a positive diagnostic test result in a mutation-positive relative was counted), PS4_Moderate (PMID:30236257, PMID:9138151, PMID:16244001). This variant segregates with MHS in three families, PP1 (PMID:30236257). Functional studies in HEK293 cells show an increased sensitivity to RYR1 agonists, PS3_Moderate (PMID:9334205). This variant resides in a region of RYR1 considered to be a hotspot for pathogenic variants that contribute to MHS, PM1 (PMID: 21118704). A REVEL score of 0.83 supports neither a pathogenic nor a benign status for this variant. implemented: PS4_Moderate, PS3_Moderate, PM1, PP1.

ClinPGx
Classification: drug response for desflurane response - Toxicity. Last evaluated: 2021-03-24. Review status: reviewed by expert panel. Criteria: Pharmacogenomics knowledge for personalized medicine. Collection method: curation. Allele origin: germline. Affected: yes.
Comment: PharmGKB Level of Evidence 1A: Level 1A clinical annotations describe variant-drug combinations that have variant-specific prescribing guidance available in a current clinical guideline annotation or an FDA-approved drug label annotation. Annotations of drug labels or clinical guidelines must give prescribing guidance for specific variants (e.g. CYP2C9*3, HLA-B*57:01) or provide mapping from defined allele functions to diplotypes and phenotypes to be used as supporting evidence for a level 1A clinical annotation. Level 1A clinical annotations must also be supported by at least one publication in addition to a clinical guideline or drug label with variant-specific prescribing guidance.

Drug is not necessarily used to treat response condition

ClinPGx
Classification: drug response for enflurane response - Toxicity. Last evaluated: 2021-03-24. Review status: reviewed by expert panel. Criteria: Pharmacogenomics knowledge for personalized medicine. Collection method: curation. Allele origin: germline. Affected: yes.
Comment: the same text as in the submission from ClinPGx above.

ClinPGx
Classification: drug response for halothane response - Toxicity. Last evaluated: 2021-03-24. Review status: reviewed by expert panel. Criteria: Pharmacogenomics knowledge for personalized medicine. Collection method: curation. Allele origin: germline. Affected: yes.
Comment: the same text as in the submission from ClinPGx above.

ClinPGx
Classification: drug response for isoflurane response - Toxicity. Last evaluated: 2021-03-24. Review status: reviewed by expert panel. Criteria: Pharmacogenomics knowledge for personalized medicine. Collection method: curation. Allele origin: germline. Affected: yes.
Comment: the same text as in the submission from ClinPGx above.

ClinPGx
Classification: drug response for methoxyflurane response - Toxicity. Last evaluated: 2021-03-24. Review status: reviewed by expert panel. Criteria: Pharmacogenomics knowledge for personalized medicine. Collection method: curation. Allele origin: germline. Affected: yes.
Comment: the same text as in the submission from ClinPGx above.

ClinPGx
Classification: drug response for sevoflurane response - Toxicity. Last evaluated: 2021-03-24. Review status: reviewed by expert panel. Criteria: Pharmacogenomics knowledge for personalized medicine. Collection method: curation. Allele origin: germline. Affected: yes.
Comment: the same text as in the submission from ClinPGx above.

ClinPGx
Classification: drug response for succinylcholine response - Toxicity. Last evaluated: 2021-03-24. Review status: reviewed by expert panel. Criteria: Pharmacogenomics knowledge for personalized medicine. Collection method: curation. Allele origin: germline. Affected: yes.
Comment: the same text as in the submission from ClinPGx above.

North West Genomic Laboratory Hub, Manchester University NHS Foundation Trust
Classification: Likely pathogenic for Inborn error of metabolism. Last evaluated: 2025-12-18. Review status: criteria provided, single submitter. Criteria: ACGS Best Practice Guidelines for Variant Classification in Rare Disease 2024. Collection method: clinical testing. Allele origin: germline. Affected: yes. Not counted in ClinVar's aggregate classification.
Comment: PP1_Str PS4_Mod

Labcorp Genetics (formerly Invitae), Labcorp
Classification: Pathogenic for RYR1-related disorder. Last evaluated: 2025-09-07. Review status: criteria provided, single submitter. Criteria: Invitae Variant Classification Sherloc (09022015). Collection method: clinical testing. Allele origin: germline. Not counted in ClinVar's aggregate classification.
Comment: This sequence change replaces arginine, which is basic and polar, with tryptophan, which is neutral and slightly polar, at codon 552 of the RYR1 protein (p.Arg552Trp). This variant is not present in population databases (gnomAD no frequency). This missense change has been observed in individual(s) with malignant hyperthermia susceptibility (MHS) (PMID: 9138151, 16244001; internal data database). It has also been observed to segregate with disease in related individuals. ClinVar contains an entry for this variant (Variation ID: 133106). Invitae Evidence Modeling of protein sequence and biophysical properties (such as structural, functional, and spatial information, amino acid conservation, physicochemical variation, residue mobility, and thermodynamic stability) has been performed for this missense variant. However, the output from this modeling did not meet the statistical confidence thresholds required to predict the impact of this variant on RYR1 protein function. Experimental studies have shown that this missense change affects RYR1 function (PMID: 9334205). For these reasons, this variant has been classified as Pathogenic.

Mayo Clinic Laboratories, Mayo Clinic
Classification: Pathogenic. Last evaluated: 2025-05-08. Review status: criteria provided, single submitter. Criteria: ACMG Guidelines, 2015. Collection method: clinical testing. Allele origin: germline. Observed: 1 variant allele. Not counted in ClinVar's aggregate classification.
Comment: PP1_strong, PP3_moderate, PS3, PS4_moderate

CeGaT Center for Human Genetics Tuebingen
Classification: Pathogenic. Last evaluated: 2020-10-01. Review status: criteria provided, single submitter. Criteria: CeGaT Center For Human Genetics Tuebingen Variant Classification Criteria Version 2. Collection method: clinical testing. Allele origin: germline. Affected: yes. Observed: 2 variant alleles. Not counted in ClinVar's aggregate classification.

Juno Genomics, Hangzhou Juno Genomics, Inc
Classification: Likely pathogenic for Malignant hyperthermia, susceptibility to, 1. Review status: criteria provided, single submitter. Criteria: ACMG Guidelines, 2015. Collection method: clinical testing. Allele origin: germline. Not counted in ClinVar's aggregate classification.
Comment: The prevalence of the variant in affected individuals is significantly increased compared to the prevalence in controls.;Well-established in vitro or in vivo functional studies supportive of a damaging effect on the gene or gene product.;Located in a mutational hot spot and/or critical and well-established functional domain without benign variation.;Co-segregation with disease in multiple affected family members.

Institute of Human Genetics, University of Goettingen
Classification: Likely pathogenic for Central core myopathy. Last evaluated: 2023-04-21. Review status: no assertion criteria provided. Collection method: clinical testing. Allele origin: germline. Affected: yes. Observed: 1 heterozygote. Not counted in ClinVar's aggregate classification.

RYR1 database
No classification provided. Review status: no classification provided. Collection method: not provided. Allele origin: unknown. Not counted in ClinVar's aggregate classification.

Literature cited by the submitters: PubMed 16244001 (cited by 3 submitters); PubMed 16917943 (cited by ClinPGx); PubMed 25658027 (cited by ClinPGx and Mayo Clinic Laboratories, Mayo Clinic); PubMed 25989378 (cited by ClinPGx); PubMed 9138151 (cited by 3 submitters); PubMed 9334205 (cited by 3 submitters); PubMed 9497245 (cited by ClinPGx and Mayo Clinic Laboratories, Mayo Clinic); PubMed 25635128 (cited by Mayo Clinic Laboratories, Mayo Clinic); PubMed 27147545 (cited by Mayo Clinic Laboratories, Mayo Clinic); PubMed 30236257 (cited by Mayo Clinic Laboratories, Mayo Clinic); PubMed 30499100 (cited by Mayo Clinic Laboratories, Mayo Clinic); PubMed 9873004 (cited by Mayo Clinic Laboratories, Mayo Clinic).

NM_000540.3(RYR1):c.1654C>T (p.Arg552Trp)

Gene: RYR1 (ryanodine receptor 1; plus strand). Cytogenetic location: 19q13.2.
Variant type: single nucleotide variant.
Coding change: c.1654C>T on transcript NM_000540.3 (MANE Select); coding-DNA position 1654, C replaced by T.
Protein change: p.Arg552Trp; replaces arginine 552 with tryptophan.
Molecular consequence: missense variant.
Genome position (GRCh38, 1-based): chr19:38,455,528, C>T. VCF-style: chr19-38455528-C-T. GRCh37 (hg19) VCF-style: chr19-38946168-C-T.
Other names: NM_000540.3(RYR1):c.1654C>T; c.1654C>T, p.Arg552Trp (NM_001042723.2); short protein forms R552W.
Identifiers: ClinVar variation 133106 (VCV000133106.54), dbSNP rs193922770, ClinGen allele CA024299.